The following is an entry in ClinVar:

ClinVar aggregate classification (germline): Pathogenic/Likely pathogenic. Review status: criteria provided, multiple submitters, no conflicts (2 of 4 stars). 3 submissions from 3 submitters: Pathogenic (2); Likely pathogenic (1). Last evaluated 2025-12-11.

Conditions:
Birt-Hogg-Dube syndrome. Also called: Birt Hogg Dubé syndrome. Identifiers: Orphanet 122, MedGen C0346010, MONDO:0800444.
Hereditary cancer-predisposing syndrome. Also called: Hereditary neoplastic syndrome; Neoplastic Syndromes, Hereditary; Hereditary Cancer Syndrome; Tumor predisposition. Identifiers: Orphanet 140162, MedGen C0027672, MeSH D009386, MONDO:0015356.

Submissions (3):

Ambry Genetics
Classification: Pathogenic for Hereditary cancer-predisposing syndrome. Last evaluated: 2025-12-11. Review status: criteria provided, single submitter. Criteria: Ambry Variant Classification Scheme 2023. Collection method: clinical testing. Allele origin: germline.
Comment: The p.Q41* pathogenic mutation (also known as c.121C>T), located in coding exon 1 of the FLCN gene, results from a C to T substitution at nucleotide position 121. This changes the amino acid from a glutamine to a stop codon within coding exon 1. This variant is considered to be rare based on population cohorts in the Genome Aggregation Database (gnomAD). This alteration is expected to result in loss of function by premature protein truncation or nonsense-mediated mRNA decay. As such, this alteration is interpreted as a disease-causing mutation.

Labcorp Genetics (formerly Invitae), Labcorp
Classification: Pathogenic for Birt-Hogg-Dube syndrome. Last evaluated: 2025-10-13. Review status: criteria provided, single submitter. Criteria: Invitae Variant Classification Sherloc (09022015). Collection method: clinical testing. Allele origin: germline.
Comment: This sequence change creates a premature translational stop signal (p.Gln41*) in the FLCN gene. It is expected to result in an absent or disrupted protein product. Loss-of-function variants in FLCN are known to be pathogenic (PMID: 15852235). This variant is not present in population databases (gnomAD no frequency). This variant has not been reported in the literature in individuals affected with FLCN-related conditions. ClinVar contains an entry for this variant (Variation ID: 571073). For these reasons, this variant has been classified as Pathogenic.

Quest Diagnostics Nichols Institute San Juan Capistrano
Classification: Likely pathogenic. Last evaluated: 2025-07-22. Review status: criteria provided, single submitter. Criteria: Quest Diagnostics criteria. Collection method: clinical testing. Allele origin: unknown.
Comment: The FLCN c.121C>T (p.Gln41*) variant is predicted to cause the premature termination of FLCN protein synthesis. This variant has not been reported in individuals with FLCN-related conditions in the published literature. This variant has not been reported in large, multi-ethnic general populations (Genome Aggregation Database). Based on the available information, this variant is classified as likely pathogenic.

Literature cited by the submitters: PubMed 15852235 (cited by Labcorp Genetics (formerly Invitae), Labcorp).

NM_144997.7(FLCN):c.121C>T (p.Gln41Ter)

Gene: FLCN (folliculin; minus strand). Cytogenetic location: 17p11.2.
Variant type: single nucleotide variant.
Coding change: c.121C>T on transcript NM_144997.7 (MANE Select); coding-DNA position 121, C replaced by T.
Protein change: p.Gln41Ter; replaces glutamine 41 with a stop codon.
Molecular consequence: nonsense.
Genome position (GRCh38, 1-based): chr17:17,228,017, G>A on the plus strand (C>T on the coding strand, the complement: FLCN is on the minus strand). VCF-style: chr17-17228017-G-A. GRCh37 (hg19) VCF-style: chr17-17131331-G-A.
Other names: c.121C>T, p.Gln41Ter (NM_001353229.2, NM_001353230.2, NM_001353231.2 and 1 more transcripts); c.121C>T (LRG_325t1, NM_144997.6); short protein forms Q41*.
Identifiers: ClinVar variation 571073 (VCV000571073.13), dbSNP rs1254608489, ClinGen allele CA398535287.
Genomic context (GRCh38, chr17:17,228,017, plus strand): 5'-GCGCACGCATCCGACTGTTCATCTGAATGCCACCTTCCTCTTCTTCCGCCTGCTCACCCT[G>A]GCCAGGACTGTCCTCATTCCCATCCCCTTGAGGAAGTGGGGCGTGCAGCACCTCCGTGCA-3'